The following is an entry in ClinVar:

NM_144670.6(A2ML1):c.3339+20G>A

Gene: A2ML1 (alpha-2-macroglobulin like 1; plus strand). Cytogenetic location: 12p13.31.
Variant type: single nucleotide variant.
Coding change: c.3339+20G>A on transcript NM_144670.6 (MANE Select); 20 bases into the intron after coding-DNA position 3339, G replaced by A.
Molecular consequence: intron variant.
Genome position (GRCh38, 1-based): chr12:8,860,975, G>A. VCF-style: chr12-8860975-G-A. GRCh37 (hg19) VCF-style: chr12-9013571-G-A.
Other names: c.1866+20G>A (NM_001282424.3).
Identifiers: ClinVar variation 1027578 (VCV001027578.6), dbSNP rs758617412, ClinGen allele CA6436343.

ClinVar aggregate classification (germline): Benign/Likely benign. Review status: criteria provided, multiple submitters, no conflicts (2 of 4 stars). 2 submissions from 2 submitters: Benign (1); Likely benign (1). Last evaluated 2025-08-29.

Allele frequency attached by ClinVar (database versions not stated): TOPMed 0.00004; gnomAD exomes 0.00013; 1000 Genomes Project 30x 0.00031; 1000 Genomes Project 0.00040; gnomAD 0.00005 and 0.00003; ExAC 0.00012.
gnomAD v4.1: 46 of 1,613,846 alleles (0.0029%); highest among the groups gnomAD compares: East Asian, 0.1%; no homozygotes.

Submissions (2):

Labcorp Genetics (formerly Invitae), Labcorp
Classification: Likely benign. Last evaluated: 2025-08-29. Review status: criteria provided, single submitter. Criteria: Invitae Variant Classification Sherloc (09022015). Collection method: clinical testing. Allele origin: germline.

Women's Health and Genetics/Laboratory Corporation of America, LabCorp
Classification: Benign. Last evaluated: 2021-03-11. Review status: criteria provided, single submitter. Criteria: LabCorp Variant Classification Summary - May 2015. Collection method: clinical testing. Allele origin: germline.
Comment: Variant summary: A2ML1 c.3339+20G>A alters a nucleotide located close to a canonical splice site and therefore could affect mRNA splicing, leading to a significantly altered protein sequence. 4/4 computational tools predict no significant impact on normal splicing. However, these predictions have yet to be confirmed by functional studies. The variant allele was found at a frequency of 0.00013 in 249518 control chromosomes, predominantly at a frequency of 0.0018 within the East Asian subpopulation in the gnomAD database. The observed variant frequency within East Asian control individuals in the gnomAD database is approximately 450 fold of the estimated maximal expected allele frequency for a pathogenic variant in A2ML1 causing Noonan Syndrome phenotype (4e-06), strongly suggesting that the variant is a benign polymorphism found primarily in populations of East Asian origin. To our knowledge, no occurrence of c.3339+20G>A in individuals affected with Noonan Syndrome and no experimental evidence demonstrating its impact on protein function have been reported. No clinical diagnostic laboratories have submitted clinical-significance assessments for this variant to ClinVar after 2014. Based on the evidence outlined above, the variant was classified as benign.